The following is an entry in ClinVar:

ClinVar aggregate classification (germline): Likely benign (1 of 4 stars; one submission).

Allele frequency attached by ClinVar (database versions not stated): gnomAD 0.00001; ExAC 0.00002; gnomAD exomes 0.00003; TOPMed 0.00005; ESP Exome Variant Server 0.00008.
gnomAD v4.1: 48 of 1,614,040 alleles (0.003%); highest among the groups gnomAD compares: Non-Finnish European, 0.0036%; no homozygotes.

Submission:

CeGaT Center for Human Genetics Tuebingen
Classification: Likely benign. Last evaluated: 2022-09-01. Review status: criteria provided, single submitter. Criteria: CeGaT Center For Human Genetics Tuebingen Variant Classification Criteria Version 2. Collection method: clinical testing. Allele origin: germline. Affected: yes. Observed: 1 variant allele.
Comment: ODC1: BP4, BS2

NM_002539.3(ODC1):c.1336G>A (p.Gly446Arg)

Gene: ODC1 (ornithine decarboxylase 1; minus strand). Cytogenetic location: 2p25.1.
Variant type: single nucleotide variant.
Coding change: c.1336G>A on transcript NM_002539.3 (MANE Select); coding-DNA position 1336, G replaced by A.
Protein change: p.Gly446Arg; replaces glycine 446 with arginine.
Molecular consequence: missense variant.
Genome position (GRCh38, 1-based): chr2:10,440,774, C>T on the plus strand (G>A on the coding strand, the complement: ODC1 is on the minus strand). VCF-style: chr2-10440774-C-T. GRCh37 (hg19) VCF-style: chr2-10580900-C-T.
Other names: c.949G>A, p.Gly317Arg (NM_001287188.2); c.1336G>A, p.Gly446Arg (NM_001287189.2, NM_001287190.2); short protein forms G317R, G446R.
Identifiers: ClinVar variation 2650669 (VCV002650669.24), dbSNP rs139964676, ClinGen allele CA1526712.